The following is an entry in ClinVar:

ClinVar aggregate classification (germline): Uncertain significance (1 of 4 stars; one submission).

Conditions:
Cardiovascular phenotype. Identifiers: MedGen CN230736.

Submission:

Ambry Genetics
Classification: Uncertain significance for Cardiovascular phenotype. Last evaluated: 2026-03-21. Review status: criteria provided, single submitter. Criteria: Ambry Variant Classification Scheme 2023. Collection method: clinical testing. Allele origin: germline.
Comment: The p.G2597R variant (also known as c.7789G>A), located in coding exon 53 of the DMD gene, results from a G to A substitution at nucleotide position 7789. The glycine at codon 2597 is replaced by arginine, an amino acid with dissimilar properties. This amino acid position is conserved. In addition, this alteration is predicted to be tolerated by in silico analysis. Based on the available evidence, the clinical significance of this variant remains unclear.

NM_004006.3(DMD):c.7789G>A (p.Gly2597Arg)

Gene: DMD (dystrophin; minus strand). Cytogenetic location: Xp21.1.
Variant type: single nucleotide variant.
Coding change: c.7789G>A on transcript NM_004006.3 (MANE Select); coding-DNA position 7789, G replaced by A.
Protein change: p.Gly2597Arg; replaces glycine 2597 with arginine.
Molecular consequence: missense variant.
Genome position (GRCh38, 1-based): chrX:31,679,458, C>T on the plus strand (G>A on the coding strand, the complement: DMD is on the minus strand). VCF-style: chrX-31679458-C-T. GRCh37 (hg19) VCF-style: chrX-31697575-C-T.
Other names: c.7765G>A, p.Gly2589Arg (NM_000109.4); c.7777G>A, p.Gly2593Arg (NM_004009.3); c.7420G>A, p.Gly2474Arg (NM_004010.3); c.3766G>A, p.Gly1256Arg (NM_004011.4); c.3757G>A, p.Gly1253Arg (NM_004012.4); c.409G>A, p.Gly137Arg (NM_004013.3, NM_004020.4, NM_004021.3 and 2 more transcripts); short protein forms G1253R, G1256R, G137R, G2474R, G2589R, G2593R, G2597R.
Identifiers: ClinVar variation 4869858 (VCV004869858.1).